The following is an entry in ClinVar:

NM_005502.4(ABCA1):c.3768G>A (p.Gly1256=)

Gene: ABCA1 (ATP binding cassette subfamily A member 1; minus strand). Cytogenetic location: 9q31.1.
Variant type: single nucleotide variant.
Coding change: c.3768G>A on transcript NM_005502.4 (MANE Select); coding-DNA position 3768, G replaced by A.
Protein change: p.Gly1256=; no amino-acid change (glycine 1256 retained).
Molecular consequence: synonymous variant.
Genome position (GRCh38, 1-based): chr9:104,814,446, C>T on the plus strand (G>A on the coding strand, the complement: ABCA1 is on the minus strand). VCF-style: chr9-104814446-C-T. GRCh37 (hg19) VCF-style: chr9-107576727-C-T.
Identifiers: ClinVar variation 928608 (VCV000928608.10), dbSNP rs140160885, ClinGen allele CA5168341.
Genomic context (GRCh38, chr9:104,814,446, plus strand): 5'-GGCACTATCTTAAGTGTGCCATTCTCCCTCAAGGCAGTTACCTGAGGTCTCAGCATCCAC[C>T]CCACTCTCTTCGGCCACCTTGAGGAATATCTGGAAAATGAGAGAGATGAGAACATTATAA-3'
Protein context (NP_005493.2, residues 1246-1266): EIFLKVAEES[Gly1256=]VDAETSDGTL

ClinVar aggregate classification (germline): Benign/Likely benign. Review status: criteria provided, multiple submitters, no conflicts (2 of 4 stars). 3 submissions from 3 submitters: Benign (1); Likely benign (2). Last evaluated 2025-12-31.

Conditions:
Cardiovascular phenotype. Identifiers: MedGen CN230736.

Allele frequency attached by ClinVar (database versions not stated): gnomAD exomes 0.00004 and 0.00012; ESP Exome Variant Server 0.00008; TOPMed 0.00011; gnomAD 0.00012 and 0.00014; ExAC 0.00017.
gnomAD v4.1: 99 of 1,614,020 alleles (0.0061%); highest among the groups gnomAD compares: South Asian, 0.043%; 2 homozygotes.

Submissions (3):

Labcorp Genetics (formerly Invitae), Labcorp
Classification: Likely benign. Last evaluated: 2025-12-31. Review status: criteria provided, single submitter. Criteria: Invitae Variant Classification Sherloc (09022015). Collection method: clinical testing. Allele origin: germline.

Ambry Genetics
Classification: Likely benign for Cardiovascular phenotype. Last evaluated: 2022-03-21. Review status: criteria provided, single submitter. Criteria: Ambry Variant Classification Scheme 2023. Collection method: clinical testing. Allele origin: germline.

Women's Health and Genetics/Laboratory Corporation of America, LabCorp
Classification: Benign. Last evaluated: 2019-04-22. Review status: criteria provided, single submitter. Criteria: LabCorp Variant Classification Summary - May 2015. Collection method: clinical testing. Allele origin: germline.
Comment: Variant summary: ABCA1 c.3768G>A alters a non-conserved nucleotide resulting in a synonymous change. 5/5 computational tools predict no significant impact on canonical splice region. However, these predictions have yet to be confirmed by functional studies. The variant allele was found at a frequency of 0.00012 in 251464 control chromosomes, predominantly at a frequency of 0.00065 within the South Asian subpopulation in the gnomAD database. The observed variant frequency within South Asian control individuals in the gnomAD database is approximately 52 fold of the estimated maximal expected allele frequency for a pathogenic variant in ABCA1 causing Early Onset Coronary Artery Disease phenotype (1.3e-05), strongly suggesting that the variant is a benign polymorphism found primarily in populations of South Asian origin. To our knowledge, no occurrence of c.3768G>A in individuals affected with Early Onset Coronary Artery Disease and no experimental evidence demonstrating its impact on protein function have been reported. No clinical diagnostic laboratories have submitted clinical-significance assessments for this variant to ClinVar after 2014. Based on the evidence outlined above, the variant was classified as benign.